The following is an entry in ClinVar:

ClinVar aggregate classification (germline): Uncertain significance (1 of 4 stars; one submission).

Conditions:
Early Myoclonic Encephalopathy. Identifiers: MedGen C0270855.

Submission:

Labcorp Genetics (formerly Invitae), Labcorp
Classification: Uncertain significance for Early Myoclonic Encephalopathy. Last evaluated: 2020-10-19. Review status: criteria provided, single submitter. Criteria: Invitae Variant Classification Sherloc (09022015). Collection method: clinical testing. Allele origin: germline.
Comment: In summary, the available evidence is currently insufficient to determine the role of this variant in disease. Therefore, it has been classified as a Variant of Uncertain Significance. Algorithms developed to predict the effect of sequence changes on RNA splicing suggest that this variant may create or strengthen a splice site, but this prediction has not been confirmed by published transcriptional studies. Algorithms developed to predict the effect of missense changes on protein structure and function output the following: SIFT: "Tolerated"; PolyPhen-2: "Benign"; Align-GVGD: "Class C0". The valine amino acid residue is found in multiple mammalian species, suggesting that this missense change does not adversely affect protein function. These predictions have not been confirmed by published functional studies and their clinical significance is uncertain. This variant has not been reported in the literature in individuals with JMJD1C-related conditions. This variant is not present in population databases (ExAC no frequency). This sequence change replaces isoleucine with valine at codon 1039 of the JMJD1C protein (p.Ile1039Val). The isoleucine residue is moderately conserved and there is a small physicochemical difference between isoleucine and valine.

NM_032776.3(JMJD1C):c.3115A>G (p.Ile1039Val)

Gene: JMJD1C (jumonji domain containing 1C; minus strand). Cytogenetic location: 10q21.3.
Variant type: single nucleotide variant.
Coding change: c.3115A>G on transcript NM_032776.3 (MANE Select); coding-DNA position 3115, A replaced by G.
Protein change: p.Ile1039Val; replaces isoleucine 1039 with valine.
Molecular consequence: missense variant. On other transcripts: non-coding transcript variant (1).
Genome position (GRCh38, 1-based): chr10:63,208,554, T>C on the plus strand (A>G on the coding strand, the complement: JMJD1C is on the minus strand). VCF-style: chr10-63208554-T-C. GRCh37 (hg19) VCF-style: chr10-64968314-T-C.
Other names: c.2569A>G, p.Ile857Val (NM_001282948.2, NM_001318154.2); c.2251A>G, p.Ile751Val (NM_001318153.2); c.3001A>G, p.Ile1001Val (NM_001322252.2); c.2458A>G, p.Ile820Val (NM_001322254.2, NM_001322258.2); short protein forms I1001V, I1039V, I751V, I820V, I857V.
Identifiers: ClinVar variation 1016883 (VCV001016883.8), dbSNP rs1846939879, ClinGen allele CA377042812.